The following is an entry in ClinVar:

ClinVar aggregate classification (germline): Uncertain significance. Review status: criteria provided, multiple submitters, no conflicts (2 of 4 stars). 3 submissions from 3 submitters: Uncertain significance (3). Last evaluated 2026-02-27.

Conditions:
Macrothrombocytopenia and granulocyte inclusions with or without nephritis or sensorineural hearing loss (MATINS). Also called: BLEEDING DISORDER, PLATELET-TYPE, 6; MAY-HEGGLIN ANOMALY; DOHLE LEUKOCYTE INCLUSIONS WITH GIANT PLATELETS; MACROTHROMBOCYTOPENIA WITH LEUKOCYTE INCLUSIONS; MYH9-Related Disease (MYH9-RD); SEBASTIAN PLATELET SYNDROME. Identifiers: Orphanet 182050, MedGen C5200934, MONDO:0015912, OMIM 155100.
Inborn genetic diseases. Identifiers: MedGen C0950123, MeSH D030342.

Allele frequency attached by ClinVar (database versions not stated): gnomAD exomes below 0.00001; TOPMed below 0.00001.
gnomAD v4.1: 4 of 1,614,120 alleles (0.00025%); highest among the groups gnomAD compares: South Asian, 0.0011%; no homozygotes.

Submissions (3):

Victorian Clinical Genetics Services, Murdoch Childrens Research Institute
Classification: Uncertain significance for Macrothrombocytopenia and granulocyte inclusions with or without nephritis or sensorineural hearing loss. Last evaluated: 2026-02-27. Review status: criteria provided, single submitter. Criteria: ACMG Guidelines, 2015. Collection method: clinical testing. Allele origin: germline. Affected: yes.
Comment: This variant is classified as VUS-3B. Evidence in support of pathogenic classification: Variant is present in gnomAD <0.001 for a dominant condition (v4: 4 heterozygote(s), 0 homozygote(s)) Additional information: Variant is predicted to result in a missense amino acid change from Arg to Cys; This variant is heterozygous; This gene is associated with autosomal dominant disease; Alternative amino acid change(s) at the same position are present in gnomAD (highest allele count: v4: 2 heterozygote(s), 0 homozygote(s)); Previous evidence of pathogenicity for this variant is inconclusive. This variant has been classified as a VUS by a clinical laboratory in ClinVar; No published evidence of segregation with disease has been identified for this variant; No published functional evidence has been identified for this variant; Another missense variant comparable to the one identified in this case has inconclusive previous evidence for pathogenicity. p.(Arg1050His) has been classified as likely benign by a clinical laboratory in ClinVar, however no justification was provided for this classification; Variant is located in the annotated myosin tail domain (DECIPHER); Missense variant with inconclusive in silico prediction and/or uninformative conservation; Dominant negative and loss of function are likely mechanisms of disease in this gene, and are associated with macrothrombocytopenia and granulocyte inclusions with or without nephritis or sensorineural hearing loss (MONDO:0015912); Variants in this gene are known to have variable expressivity. Expressivity varies for onset and severity of sensorineural deafness, glomerular nephropathy, presenile cataract, and alterations of liver enzymes (PMID: 20301740); Inheritance information for this variant is not currently available in this individual.

Ambry Genetics
Classification: Uncertain significance for Inborn genetic diseases. Last evaluated: 2026-01-13. Review status: criteria provided, single submitter. Criteria: Ambry Variant Classification Scheme 2023. Collection method: clinical testing. Allele origin: germline.

Labcorp Genetics (formerly Invitae), Labcorp
Classification: Uncertain significance. Last evaluated: 2022-02-14. Review status: criteria provided, single submitter. Criteria: Invitae Variant Classification Sherloc (09022015). Collection method: clinical testing. Allele origin: germline.
Comment: In summary, the available evidence is currently insufficient to determine the role of this variant in disease. Therefore, it has been classified as a Variant of Uncertain Significance. This sequence change replaces arginine, which is basic and polar, with cysteine, which is neutral and slightly polar, at codon 1050 of the MYH9 protein (p.Arg1050Cys). This variant is not present in population databases (gnomAD no frequency). This variant has not been reported in the literature in individuals affected with MYH9-related conditions. Algorithms developed to predict the effect of missense changes on protein structure and function are either unavailable or do not agree on the potential impact of this missense change (SIFT: "Deleterious"; PolyPhen-2: "Possibly Damaging"; Align-GVGD: "Class C15").

Literature cited by the submitters: PubMed 20301740 (cited by Victorian Clinical Genetics Services, Murdoch Childrens Research Institute).

NM_002473.6(MYH9):c.3148C>T (p.Arg1050Cys)

Gene: MYH9 (myosin heavy chain 9; minus strand). Cytogenetic location: 22q12.3.
Variant type: single nucleotide variant.
Coding change: c.3148C>T on transcript NM_002473.6 (MANE Select); coding-DNA position 3148, C replaced by T.
Protein change: p.Arg1050Cys; replaces arginine 1050 with cysteine.
Molecular consequence: missense variant.
Genome position (GRCh38, 1-based): chr22:36,296,967, G>A on the plus strand (C>T on the coding strand, the complement: MYH9 is on the minus strand). VCF-style: chr22-36296967-G-A. GRCh37 (hg19) VCF-style: chr22-36693013-G-A.
Other names: c.3148C>T (NM_002473.4); short protein forms R1050C.
Identifiers: ClinVar variation 1946893 (VCV001946893.8), dbSNP rs2016798446, ClinGen allele CA411389649.